The following is an entry in ClinVar:

NM_020964.3(EPG5):c.5524G>T (p.Ala1842Ser)

Gene: EPG5 (ectopic P-granules 5 autophagy tethering factor; minus strand). Cytogenetic location: 18q12.3.
Variant type: single nucleotide variant.
Coding change: c.5524G>T on transcript NM_020964.3 (MANE Select); coding-DNA position 5524, G replaced by T.
Protein change: p.Ala1842Ser; replaces alanine 1842 with serine.
Molecular consequence: missense variant.
Genome position (GRCh38, 1-based): chr18:45,880,218, C>A on the plus strand (G>T on the coding strand, the complement: EPG5 is on the minus strand). VCF-style: chr18-45880218-C-A. GRCh37 (hg19) VCF-style: chr18-43460183-C-A.
Other names: c.5524G>T, p.Ala1842Ser (NM_001410858.1, NM_001410859.1); short protein forms A1842S.
Identifiers: ClinVar variation 4993276 (VCV004993276.1).

ClinVar aggregate classification (germline): Uncertain significance (1 of 4 stars; one submission).

Conditions:
EPG5-related disorder. Also called: EPG5-related condition. Identifiers: MedGen CN381528.

Submission:

PreventionGenetics, part of Exact Sciences
Classification: Uncertain significance for EPG5-related condition. Last evaluated: 2026-07-06. Review status: criteria provided, single submitter. Criteria: ACMG Guidelines, 2015. Collection method: clinical testing. Allele origin: germline.
Comment: The EPG5 c.5524G>T variant is predicted to result in the amino acid substitution p.Ala1842Ser. To our knowledge, this variant has not been reported in the literature or in a large population database (gnomAD), indicating this variant is rare. At this time, the clinical significance of this variant is uncertain due to the absence of conclusive functional and genetic evidence.